The following is an entry in ClinVar:

NM_004525.3(LRP2):c.11450G>A (p.Cys3817Tyr)

Gene: LRP2 (LDL receptor related protein 2; minus strand). Cytogenetic location: 2q31.1.
Variant type: single nucleotide variant.
Coding change: c.11450G>A on transcript NM_004525.3 (MANE Select); coding-DNA position 11450, G replaced by A.
Protein change: p.Cys3817Tyr; replaces cysteine 3817 with tyrosine.
Molecular consequence: missense variant.
Genome position (GRCh38, 1-based): chr2:169,169,749, C>T on the plus strand (G>A on the coding strand, the complement: LRP2 is on the minus strand). VCF-style: chr2-169169749-C-T. GRCh37 (hg19) VCF-style: chr2-170026259-C-T.
Other names: short protein forms C3817Y.
Identifiers: ClinVar variation 2797505 (VCV002797505.3), dbSNP rs2545716348, ClinGen allele CA349141774.

ClinVar aggregate classification (germline): Uncertain significance (1 of 4 stars; one submission).

Submission:

Labcorp Genetics (formerly Invitae), Labcorp
Classification: Uncertain significance. Last evaluated: 2026-01-24. Review status: criteria provided, single submitter. Criteria: Invitae Variant Classification Sherloc (09022015). Collection method: clinical testing. Allele origin: germline.
Comment: This sequence change replaces cysteine, which is neutral and slightly polar, with tyrosine, which is neutral and polar, at codon 3817 of the LRP2 protein (p.Cys3817Tyr). This variant is not present in population databases (gnomAD no frequency). This variant has not been reported in the literature in individuals affected with LRP2-related conditions. ClinVar contains an entry for this variant (Variation ID: 2797505). Invitae Evidence Modeling of protein sequence and biophysical properties (such as structural, functional, and spatial information, amino acid conservation, physicochemical variation, residue mobility, and thermodynamic stability) indicates that this missense variant is expected to disrupt LRP2 protein function with a positive predictive value of 95%. In summary, the available evidence is currently insufficient to determine the role of this variant in disease. Therefore, it has been classified as a Variant of Uncertain Significance.